The following is an entry in ClinVar:

ClinVar aggregate classification (germline): Uncertain significance (1 of 4 stars; one submission).

gnomAD v4.1: 2 of 1,611,880 alleles (0.00012%); highest among the groups gnomAD compares: South Asian, 0.0011%; no homozygotes.

Submission:

Labcorp Genetics (formerly Invitae), Labcorp
Classification: Uncertain significance. Last evaluated: 2025-03-19. Review status: criteria provided, single submitter. Criteria: Invitae Variant Classification Sherloc (09022015). Collection method: clinical testing. Allele origin: germline.
Comment: This sequence change replaces proline, which is neutral and non-polar, with threonine, which is neutral and polar, at codon 909 of the TONSL protein (p.Pro909Thr). This variant is present in population databases (no rsID available, gnomAD 0.003%). This variant has not been reported in the literature in individuals affected with TONSL-related conditions. Invitae Evidence Modeling of protein sequence and biophysical properties (such as structural, functional, and spatial information, amino acid conservation, physicochemical variation, residue mobility, and thermodynamic stability) indicates that this missense variant is not expected to disrupt TONSL protein function with a negative predictive value of 80%. In summary, the available evidence is currently insufficient to determine the role of this variant in disease. Therefore, it has been classified as a Variant of Uncertain Significance.

NM_013432.5(TONSL):c.2725C>A (p.Pro909Thr)

Genes: TONSL (tonsoku like, DNA repair protein; minus strand), TONSL-AS1 (TONSL antisense RNA 1; plus strand). Cytogenetic location: 8q24.3.
Variant type: single nucleotide variant.
Coding change: c.2725C>A on transcript NM_013432.5 (MANE Select); coding-DNA position 2725, C replaced by A.
Protein change: p.Pro909Thr; replaces proline 909 with threonine.
Molecular consequence: missense variant.
Genome position (GRCh38, 1-based): chr8:144,435,708, G>T on the plus strand (C>A on the coding strand, the complement: TONSL is on the minus strand). VCF-style: chr8-144435708-G-T. GRCh37 (hg19) VCF-style: chr8-145661091-G-T.
Other names: short protein forms P909T.
Identifiers: ClinVar variation 3665416 (VCV003665416.2).